The following is an entry in ClinVar:

GRCh37/hg19 Xq26.1-26.3(chrX:129627661-135812056)x1

Genes: ADGRG4 (adhesion G protein-coupled receptor G4; plus strand), ARHGAP36 (Rho GTPase activating protein 36; plus strand), ARHGEF6 (Rac/Cdc42 guanine nucleotide exchange factor 6; minus strand), BRS3 (bombesin receptor subtype 3; plus strand), CCDC160 (coiled-coil domain containing 160; plus strand) and 43 more. Cytogenetic location: Xq26.1-26.3.
Variant type: copy number loss.
Change: copy number 1 of chrX:129,627,661-135,812,056 (6.18 Mb, GRCh37 coordinates, 1-based), cytogenetic band Xq26.1-26.3.
Identifiers: ClinVar variation 2685720 (VCV002685720.1).

ClinVar aggregate classification (germline): Pathogenic (1 of 4 stars; one submission).

Submission:

Quest Diagnostics Nichols Institute San Juan Capistrano
Classification: Pathogenic. Last evaluated: 2022-12-05. Review status: criteria provided, single submitter. Criteria: ACMG/ClinGen CNV Guidelines, 2019. Collection method: clinical testing. Allele origin: unknown.
Comment: The copy number loss of Xq26.1q26.3 involves numerous protein-coding genes, including FRMD7 (OMIM 300628, Oh 2007, Thomas 2008), GPC3 (OMIM 300037, Stove 2017, Sha 2022, Yano 2011), PHF6 (OMIM 300414, Berland 2011, Zweier 2013), HPRT1 (OMIM 308000, De Gregorio 2005), SLC9A6 (OMIM 300231), and CD40LG (OMIM 300386, Palterer 2022), all of which have established haploinsufficient disease associations (Rehm 2015). Thus, based on current medical literature and gene content, this copy number variant (CNV) is interpreted as pathogenic. References:_x000D__x000D_ Berland et al., Mol Syndromol. 2011 Sep;1(6):294-300. PMID: 22190899_x000D__x000D_ De Gregorio et al., Mol Genet Metab. 2005 May;85(1):70-7. PMID: 15862283_x000D__x000D_ Oh et al., J Clin Neurol. 2007 Sep;3(3):139-46. PMID: 19513281_x000D__x000D_ Palterer et al., Front Immunol. 2022 Apr 28;13:840767. PMID: 35572607_x000D__x000D_ Rehm et al., N Engl J Med. 2015 Jun 4;372(23):2235-42. PMID: 26014595_x000D__x000D_ Sha et al., Medicine (Baltimore). 2022 Apr 22;101(16):e29222. PMID: 35482990_x000D__x000D_ Stove et al., Clin Case Rep. 2017 Mar 17;5(5):608-612. PMID: 28469860_x000D__x000D_ Thomas et al., Brain. 2008 May;131(Pt 5):1259-67. PMID: 18372314_x000D__x000D_ Yano et al., Clin Genet. 2011 Nov;80(5):466-71. PMID: 20950395_x000D__x000D_ Zweier et al., J Med Genet. 2013 Dec;50(12):838-47. PMID: 24092917